The following is an entry in ClinVar:

ClinVar aggregate classification (germline): Uncertain significance (1 of 4 stars; one submission).

Conditions:
Developmental delay with autism spectrum disorder and gait instability (MRT38). Also called: Intellectual developmental disorder, autosomal recessive 38. Identifiers: Orphanet 329195, MedGen C3809753, MONDO:0014224, OMIM 615516.

gnomAD v4.1: 14 of 1,614,072 alleles (0.00087%); highest among the groups gnomAD compares: East Asian, 0.0022%; no homozygotes.

Submission:

Dasa
Classification: Uncertain significance for Developmental delay with autism spectrum disorder and gait instability. Last evaluated: 2025-05-12. Review status: criteria provided, single submitter. Criteria: DASA Assertion Criteria. Collection method: clinical testing. Allele origin: germline.
Comment: NM_004667.6(HERC2):c.10301C>T (p.Ala3434Val) is a missense variant that results in the substitution of alanine with valine. This variant is rare in population databases. Computational prediction algorithms are consistent with a benign effect. The currently available literature and clinical evidence are not sufficient to establish a definitive association between this variant and the reported condition. Therefore, this variant is classified as a variant of uncertain significance.

NM_004667.6(HERC2):c.10301C>T (p.Ala3434Val)

Gene: HERC2 (HECT and RLD domain containing E3 ubiquitin protein ligase 2; minus strand). Cytogenetic location: 15q13.1.
Variant type: single nucleotide variant.
Coding change: c.10301C>T on transcript NM_004667.6 (MANE Select); coding-DNA position 10301, C replaced by T.
Protein change: p.Ala3434Val; replaces alanine 3434 with valine.
Molecular consequence: missense variant.
Genome position (GRCh38, 1-based): chr15:28,168,519, G>A on the plus strand (C>T on the coding strand, the complement: HERC2 is on the minus strand). VCF-style: chr15-28168519-G-A. GRCh37 (hg19) VCF-style: chr15-28413665-G-A.
Other names: short protein forms A3434V.
Identifiers: ClinVar variation 4883120 (VCV004883120.2).